The following is an entry in ClinVar:

NM_015488.5(PNKD):c.236+1069G>A

Gene: PNKD (PNKD metallo-beta-lactamase domain containing; plus strand). Cytogenetic location: 2q35.
Variant type: single nucleotide variant.
Coding change: c.236+1069G>A on transcript NM_015488.5 (MANE Select); 1069 bases into the intron after coding-DNA position 236, G replaced by A.
Molecular consequence: intron variant. On other transcripts: synonymous variant (1).
Genome position (GRCh38, 1-based): chr2:218,272,618, G>A. VCF-style: chr2-218272618-G-A. GRCh37 (hg19) VCF-style: chr2-219137341-G-A.
Other names: c.285G>A, p.Arg95= (NM_001077399.3).
Identifiers: ClinVar variation 1267027 (VCV001267027.34), dbSNP rs201303528, ClinGen allele CA2103301.

ClinVar aggregate classification (germline): Benign/Likely benign. Review status: criteria provided, multiple submitters, no conflicts (2 of 4 stars). 3 submissions from 3 submitters: Benign (1); Likely benign (2). Last evaluated 2025-09-01.

Allele frequency attached by ClinVar (database versions not stated): 1000 Genomes Project 30x 0.00031; 1000 Genomes Project 0.00040; gnomAD exomes 0.00109; ExAC 0.00110; TOPMed 0.00065; ESP Exome Variant Server 0.00109.
gnomAD v4.1: 1,553 of 1,614,178 alleles (0.096%); highest among the groups gnomAD compares: Non-Finnish European, 0.098%; 3 homozygotes.

Submissions (3):

CeGaT Center for Human Genetics Tuebingen
Classification: Likely benign. Last evaluated: 2025-09-01. Review status: criteria provided, single submitter. Criteria: CeGaT Center For Human Genetics Tuebingen Variant Classification Criteria Version 2. Collection method: clinical testing. Allele origin: germline. Affected: yes. Observed: 5 variant alleles.
Comment: PNKD: BP4, BP7

Blueprint Genetics
Classification: Likely benign. Last evaluated: 2024-11-24. Review status: criteria provided, single submitter. Criteria: ACMG Guidelines, 2015. Collection method: clinical testing. Allele origin: germline.

GeneDx
Classification: Benign. Last evaluated: 2020-06-19. Review status: criteria provided, single submitter. Criteria: GeneDx Variant Classification Process June 2021. Collection method: clinical testing. Allele origin: germline. Affected: yes.